The following is an entry in ClinVar:

NM_001271.4(CHD2):c.5411A>G (p.Asp1804Gly)

Gene: CHD2 (chromodomain helicase DNA binding protein 2; plus strand). Cytogenetic location: 15q26.1.
Variant type: single nucleotide variant.
Coding change: c.5411A>G on transcript NM_001271.4 (MANE Select); coding-DNA position 5411, A replaced by G.
Protein change: p.Asp1804Gly; replaces aspartic acid 1804 with glycine.
Molecular consequence: missense variant.
Genome position (GRCh38, 1-based): chr15:93,024,629, A>G. VCF-style: chr15-93024629-A-G. GRCh37 (hg19) VCF-style: chr15-93567859-A-G.
Other names: short protein forms D1804G.
Identifiers: ClinVar variation 3688982 (VCV003688982.2).

ClinVar aggregate classification (germline): Uncertain significance (1 of 4 stars; one submission).

Conditions:
Developmental and epileptic encephalopathy 94 (DEE94). Also called: CHD2-Related Neurodevelopmental Disorders; Epileptic encephalopathy, childhood-onset. Identifiers: Orphanet 1942, Orphanet 2382, MedGen C3809278, MONDO:0014150, OMIM 615369.

gnomAD v4.1: 2 of 1,614,198 alleles (0.00012%); highest among the groups gnomAD compares: Non-Finnish European, 0.00017%; no homozygotes.

Submission:

Labcorp Genetics (formerly Invitae), Labcorp
Classification: Uncertain significance for Developmental and epileptic encephalopathy 94. Last evaluated: 2024-06-25. Review status: criteria provided, single submitter. Criteria: Invitae Variant Classification Sherloc (09022015). Collection method: clinical testing. Allele origin: germline.
Comment: This sequence change replaces aspartic acid, which is acidic and polar, with glycine, which is neutral and non-polar, at codon 1804 of the CHD2 protein (p.Asp1804Gly). This variant is present in population databases (rs748701923, gnomAD 0.0009%). This variant has not been reported in the literature in individuals affected with CHD2-related conditions. Advanced modeling of protein sequence and biophysical properties (such as structural, functional, and spatial information, amino acid conservation, physicochemical variation, residue mobility, and thermodynamic stability) performed at Invitae indicates that this missense variant is not expected to disrupt CHD2 protein function with a negative predictive value of 95%. In summary, the available evidence is currently insufficient to determine the role of this variant in disease. Therefore, it has been classified as a Variant of Uncertain Significance.